The following is an entry in ClinVar:

ClinVar aggregate classification (germline): Uncertain significance (1 of 4 stars; one submission).

Conditions:
Inborn genetic diseases. Identifiers: MedGen C0950123, MeSH D030342.

gnomAD v4.1: 3 of 1,613,732 alleles (0.00019%); highest among the groups gnomAD compares: Admixed American, 0.005%; no homozygotes.

Submission:

Ambry Genetics
Classification: Uncertain significance for Inborn genetic diseases. Last evaluated: 2024-05-08. Review status: criteria provided, single submitter. Criteria: Ambry Variant Classification Scheme 2023. Collection method: clinical testing. Allele origin: germline.
Comment: The p.S723R variant (also known as c.2169C>A), located in coding exon 13 of the EPAS1 gene, results from a C to A substitution at nucleotide position 2169. The serine at codon 723 is replaced by arginine, an amino acid with dissimilar properties. This amino acid position is conserved. In addition, this alteration is predicted to be tolerated by in silico analysis. Since supporting evidence is limited at this time, the clinical significance of this alteration remains unclear.

NM_001430.5(EPAS1):c.2169C>A (p.Ser723Arg)

Gene: EPAS1 (endothelial PAS domain protein 1; plus strand). Cytogenetic location: 2p21.
Variant type: single nucleotide variant.
Coding change: c.2169C>A on transcript NM_001430.5 (MANE Select); coding-DNA position 2169, C replaced by A.
Protein change: p.Ser723Arg; replaces serine 723 with arginine.
Molecular consequence: missense variant.
Genome position (GRCh38, 1-based): chr2:46,381,719, C>A. VCF-style: chr2-46381719-C-A. GRCh37 (hg19) VCF-style: chr2-46608858-C-A.
Other names: short protein forms S723R.
Identifiers: ClinVar variation 1787025 (VCV001787025.3), dbSNP rs755176702, ClinGen allele CA1645235.